The following is an entry in ClinVar:

NM_001368397.1(FRMPD4):c.3904C>T (p.Pro1302Ser)

Gene: FRMPD4 (FERM and PDZ domain containing 4; plus strand). Cytogenetic location: Xp22.2.
Variant type: single nucleotide variant.
Coding change: c.3904C>T on transcript NM_001368397.1 (MANE Select); coding-DNA position 3904, C replaced by T.
Protein change: p.Pro1302Ser; replaces proline 1302 with serine.
Molecular consequence: missense variant.
Genome position (GRCh38, 1-based): chrX:12,718,730, C>T. VCF-style: chrX-12718730-C-T. GRCh37 (hg19) VCF-style: chrX-12736849-C-T.
Other names: c.4015C>T, p.Pro1339Ser (NM_001368395.3, NM_001368398.3); c.3910C>T, p.Pro1304Ser (NM_001368396.3); c.3895C>T, p.Pro1299Ser (NM_001368399.3); c.3784C>T, p.Pro1262Ser (NM_001368400.3); c.3880C>T, p.Pro1294Ser (NM_001368401.1, NM_001368402.3); c.3904C>T, p.Pro1302Ser (NM_014728.3); short protein forms P1262S, P1294S, P1299S, P1302S, P1304S, P1339S.
Identifiers: ClinVar variation 2430782 (VCV002430782.2), dbSNP rs2042160988, ClinGen allele CA412323776.

ClinVar aggregate classification (germline): Uncertain significance. Review status: criteria provided, multiple submitters, no conflicts (2 of 4 stars). 2 submissions from 2 submitters: Uncertain significance (2). Last evaluated 2025-06-18.

Conditions:
Inborn genetic diseases. Identifiers: MedGen C0950123, MeSH D030342.

Allele frequency attached by ClinVar (database versions not stated): TOPMed below 0.00001.

Submissions (2):

Ambry Genetics
Classification: Uncertain significance for Inborn genetic diseases. Last evaluated: 2025-06-18. Review status: criteria provided, single submitter. Criteria: Ambry Variant Classification Scheme 2023. Collection method: clinical testing. Allele origin: germline.

GeneDx
Classification: Uncertain significance. Last evaluated: 2022-08-15. Review status: criteria provided, single submitter. Criteria: GeneDx Variant Classification Process June 2021. Collection method: clinical testing. Allele origin: germline. Affected: yes.
Comment: Not observed at significant frequency in large population cohorts (gnomAD); In silico analysis supports that this missense variant has a deleterious effect on protein structure/function; Has not been previously published as pathogenic or benign to our knowledge